The following is an entry in ClinVar:

NM_016180.5(SLC45A2):c.1351C>T (p.Arg451Cys)

Gene: SLC45A2 (solute carrier family 45 member 2; minus strand). Cytogenetic location: 5p13.2.
Variant type: single nucleotide variant.
Coding change: c.1351C>T on transcript NM_016180.5 (MANE Select); coding-DNA position 1351, C replaced by T.
Protein change: p.Arg451Cys; replaces arginine 451 with cysteine.
Molecular consequence: missense variant.
Genome position (GRCh38, 1-based): chr5:33,947,180, G>A on the plus strand (C>T on the coding strand, the complement: SLC45A2 is on the minus strand). VCF-style: chr5-33947180-G-A. GRCh37 (hg19) VCF-style: chr5-33947285-G-A.
Other names: c.1351C>T, p.Arg451Cys (NM_001012509.4); short protein forms R451C.
Identifiers: ClinVar variation 353212 (VCV000353212.7), dbSNP rs142175557, ClinGen allele CA3225493.

ClinVar aggregate classification (germline): Uncertain significance. Review status: criteria provided, multiple submitters, no conflicts (2 of 4 stars). 3 submissions from 3 submitters: Uncertain significance (3). Last evaluated 2022-05-23.

Conditions:
Oculocutaneous albinism type 4 (OCA4). Also called: Albinism, oculocutaneous, type IV. Identifiers: Orphanet 79435, MedGen C1847836, MONDO:0011683, OMIM 606574.

Allele frequency attached by ClinVar (database versions not stated): ExAC 0.00006; TOPMed 0.00006; gnomAD 0.00007; gnomAD exomes 0.00018 and 0.00005; ESP Exome Variant Server 0.00015.
gnomAD v4.1: 263 of 1,614,044 alleles (0.016%); highest among the groups gnomAD compares: Non-Finnish European, 0.021%; no homozygotes.

Submissions (3):

Labcorp Genetics (formerly Invitae), Labcorp
Classification: Uncertain significance. Last evaluated: 2022-05-23. Review status: criteria provided, single submitter. Criteria: Invitae Variant Classification Sherloc (09022015). Collection method: clinical testing. Allele origin: germline.
Comment: This sequence change replaces arginine, which is basic and polar, with cysteine, which is neutral and slightly polar, at codon 451 of the SLC45A2 protein (p.Arg451Cys). The frequency data for this variant in the population databases is considered unreliable, as metrics indicate poor data quality at this position in the gnomAD database. This variant has not been reported in the literature in individuals affected with SLC45A2-related conditions. ClinVar contains an entry for this variant (Variation ID: 353212). Algorithms developed to predict the effect of missense changes on protein structure and function are either unavailable or do not agree on the potential impact of this missense change (SIFT: "Deleterious"; PolyPhen-2: "Possibly Damaging"; Align-GVGD: "Class C0"). In summary, the available evidence is currently insufficient to determine the role of this variant in disease. Therefore, it has been classified as a Variant of Uncertain Significance.

GeneDx
Classification: Uncertain significance. Last evaluated: 2019-09-24. Review status: criteria provided, single submitter. Criteria: GeneDx Variant Classification Process June 2021. Collection method: clinical testing. Allele origin: germline. Affected: yes.
Comment: In silico analysis, which includes protein predictors and evolutionary conservation, supports that this variant does not alter protein structure/function; Although reported in a publication assessing the structural consequenes of SLC45A2 variants (Kamaraj et al., 2016), the R451C variant has not been previously reported as a germline variant in association with OCA4 to our knowledge; This variant is associated with the following publications: (PMID: 27019209)

Illumina Laboratory Services, Illumina
Classification: Uncertain significance for Oculocutaneous albinism type 4. Last evaluated: 2018-01-13. Review status: criteria provided, single submitter. Criteria: ICSL Variant Classification Criteria 13 December 2019. Collection method: clinical testing. Allele origin: germline.